The following is an entry in ClinVar:

ClinVar aggregate classification (germline): Pathogenic (1 of 4 stars; one submission).

Submission:

Labcorp Genetics (formerly Invitae), Labcorp
Classification: Pathogenic. Last evaluated: 2025-12-11. Review status: criteria provided, single submitter. Criteria: Invitae Variant Classification Sherloc (09022015). Collection method: clinical testing. Allele origin: germline.
Comment: This sequence change creates a premature translational stop signal (p.Glu1369Glyfs*46) in the DUOX2 gene. It is expected to result in an absent or disrupted protein product. Loss-of-function variants in DUOX2 are known to be pathogenic (PMID: 12110737, 18765513, 21565790, 24423310, 24735383). This variant is not present in population databases (gnomAD no frequency). This variant has not been reported in the literature in individuals affected with DUOX2-related conditions. For these reasons, this variant has been classified as Pathogenic.

Literature cited by the submitters: PubMed 12110737; PubMed 18765513; PubMed 21565790; PubMed 24423310; PubMed 24735383.

NM_001363711.2(DUOX2):c.4106_4121del (p.Glu1369fs)

Gene: DUOX2 (dual oxidase 2; minus strand). Cytogenetic location: 15q21.1.
Variant type: Deletion.
Coding change: c.4106_4121del on transcript NM_001363711.2 (MANE Select); coding-DNA positions 4106 to 4121, 16 bases deleted (AGGGCCATCAGGAGTG).
Protein change: p.Glu1369fs; shifts the reading frame from glutamic acid 1369.
Molecular consequence: frameshift variant.
Genome position (GRCh38, 1-based): chr15:45,095,555-45,095,570, CACTCCTGATGGCCCT deleted on the plus strand (AGGGCCATCAGGAGTG on the coding strand, the reverse complement: DUOX2 is on the minus strand); deleting any 16 consecutive bases within chr15:45,095,555-45,095,571 gives the same sequence; the c. name uses the placement nearest the transcript's 3' end. VCF-style (leftmost placement, unchanged base first): chr15-45095554-CCACTCCTGATGGCCCT-C. GRCh37 (hg19) VCF-style: chr15-45387752-CCACTCCTGATGGCCCT-C.
Other names: c.4106_4121del, p.Glu1369fs (NM_014080.5); short protein forms E1369fs.
Identifiers: ClinVar variation 4731552 (VCV004731552.1).